The following is an entry in ClinVar:

ClinVar aggregate classification (germline): Likely benign (0 of 4 stars; one submission).

Conditions:
CCDC28B-related disorder. Also called: CCDC28B-related condition.

Submission:

PreventionGenetics, part of Exact Sciences
Classification: Likely benign for CCDC28B-related condition. Last evaluated: 2019-02-21. Review status: no assertion criteria provided. Collection method: clinical testing. Allele origin: germline.
Comment: This variant is classified as likely benign based on ACMG/AMP sequence variant interpretation guidelines (Richards et al. 2015 PMID: 25741868, with internal and published modifications).

NM_024296.5(CCDC28B):c.549-8G>C

Gene: CCDC28B (coiled-coil domain containing 28B; plus strand). Cytogenetic location: 1p35.2.
Variant type: single nucleotide variant.
Coding change: c.549-8G>C on transcript NM_024296.5 (MANE Select); 8 bases into the intron before coding-DNA position 549, G replaced by C.
Molecular consequence: intron variant. On other transcripts: 3 prime UTR variant (1).
Genome position (GRCh38, 1-based): chr1:32,205,186, G>C. VCF-style: chr1-32205186-G-C. GRCh37 (hg19) VCF-style: chr1-32670787-G-C.
Other names: c.*388G>C (NM_001301011.2).
Identifiers: ClinVar variation 3058799 (VCV003058799.2), dbSNP rs768743189, ClinGen allele CA2472818135.